The following is an entry in ClinVar:

NM_001393586.1(MYO7B):c.4990C>T (p.Arg1664Cys)

Gene: MYO7B (myosin VIIB; plus strand). Cytogenetic location: 2q14.3.
Variant type: single nucleotide variant.
Coding change: c.4990C>T on transcript NM_001393586.1 (MANE Select); coding-DNA position 4990, C replaced by T.
Protein change: p.Arg1664Cys; replaces arginine 1664 with cysteine.
Molecular consequence: missense variant.
Genome position (GRCh38, 1-based): chr2:127,631,258, C>T. VCF-style: chr2-127631258-C-T. GRCh37 (hg19) VCF-style: chr2-128388833-C-T.
Other names: c.4912C>T, p.Arg1638Cys (NM_001080527.2); c.1471C>T, p.Arg491Cys (NM_001393594.1); short protein forms R1638C, R1664C, R491C.
Identifiers: ClinVar variation 3039833 (VCV003039833.2), dbSNP rs200195243, ClinGen allele CA1862088.
Genomic context (GRCh38, chr2:127,631,258, plus strand): 5'-CCTCACAGGGCTCCAGAGAAGGACATGGTGAGCATGGCCGTGCTGCCCCTGGCCCGTGCC[C>T]GTGGCCACCTGTGGGCCTATTCCTGCGAGCCGCTGCGACAGCCGCTGCTCAAGCGAGTCC-3'
Protein context (NP_001380515.1, residues 1654-1674): SMAVLPLARA[Arg1664Cys]GHLWAYSCEP

ClinVar aggregate classification (germline): Benign (0 of 4 stars; one submission).

Conditions:
MYO7B-related disorder. Also called: MYO7B-related condition.

Allele frequency attached by ClinVar (database versions not stated): 1000 Genomes Project 30x 0.00016; ESP Exome Variant Server 0.00016; 1000 Genomes Project 0.00020; gnomAD 0.00025; TOPMed 0.00072; ExAC 0.00107.
gnomAD v4.1: 409 of 1,611,168 alleles (0.025%); highest among the groups gnomAD compares: Admixed American, 0.6%; 2 homozygotes.

Submission:

PreventionGenetics, part of Exact Sciences
Classification: Benign for MYO7B-related condition. Last evaluated: 2019-03-21. Review status: no assertion criteria provided. Collection method: clinical testing. Allele origin: germline.
Comment: This variant is classified as benign based on ACMG/AMP sequence variant interpretation guidelines (Richards et al. 2015 PMID: 25741868, with internal and published modifications).